The following is an entry in ClinVar:

ClinVar aggregate classification (germline): Benign/Likely benign. Review status: criteria provided, multiple submitters, no conflicts (2 of 4 stars). 7 submissions from 7 submitters: Benign (4); Likely benign (1). 2 of the submissions do not count toward it. Last evaluated 2026-03-31.

Conditions:
Autoimmune interstitial lung disease-arthritis syndrome. Also called: Autoinflammation and autoimmunity, systemic, with immune dysregulation. Identifiers: Orphanet 444092, MedGen C5975714, MONDO:0014629.

Allele frequency attached by ClinVar (database versions not stated): 1000 Genomes Project 30x 0.01624; 1000 Genomes Project 0.01677; TOPMed 0.02487; gnomAD exomes 0.02515 and 0.03185; gnomAD 0.02546 and 0.02550; ExAC 0.02605; ESP Exome Variant Server 0.02799.
gnomAD v4.1: 50,227 of 1,614,114 alleles (3.1%); highest among the groups gnomAD compares: Non-Finnish European, 3.5%; 875 homozygotes.

Submissions (7):

Women's Health and Genetics/Laboratory Corporation of America, LabCorp
Classification: Benign. Last evaluated: 2026-03-31. Review status: criteria provided, single submitter. Criteria: LabCorp Variant Classification Summary - May 2015. Collection method: clinical testing. Allele origin: germline.

Labcorp Genetics (formerly Invitae), Labcorp
Classification: Benign for Autoimmune interstitial lung disease-arthritis syndrome. Last evaluated: 2026-02-03. Review status: criteria provided, single submitter. Criteria: Invitae Variant Classification Sherloc (09022015). Collection method: clinical testing. Allele origin: germline.

Blueprint Genetics
Classification: Likely benign. Last evaluated: 2024-11-26. Review status: criteria provided, single submitter. Criteria: ACMG Guidelines, 2015. Collection method: clinical testing. Allele origin: germline.

Mayo Clinic Laboratories, Mayo Clinic
Classification: Benign. Last evaluated: 2023-09-21. Review status: criteria provided, single submitter. Criteria: ACMG Guidelines, 2015. Collection method: clinical testing. Allele origin: germline. Observed: 26 variant alleles.
Comment: BS1, BS2, BP4, BP7

Breakthrough Genomics
Classification: Benign. Review status: criteria provided, single submitter. Criteria: ACMG Guidelines, 2015. Collection method: not provided. Allele origin: germline. Inheritance: Autosomal dominant inheritance. Affected: yes.

Clinical Genetics DNA and cytogenetics Diagnostics Lab, Erasmus MC, Erasmus Medical Center
Classification: Benign. Review status: no assertion criteria provided. Collection method: clinical testing. Allele origin: germline. Affected: yes. Study: VKGL Data-share Consensus. Not counted in ClinVar's aggregate classification.

Laboratory of Diagnostic Genome Analysis, Leiden University Medical Center (LUMC)
Classification: Benign. Review status: no assertion criteria provided. Collection method: clinical testing. Allele origin: germline. Affected: yes. Study: VKGL Data-share Consensus. Not counted in ClinVar's aggregate classification.

NM_004371.4(COPA):c.1741C>T (p.Leu581=)

Gene: COPA (coat protein complex I subunit alpha; minus strand). Cytogenetic location: 1q23.2.
Variant type: single nucleotide variant.
Coding change: c.1741C>T on transcript NM_004371.4 (MANE Select); coding-DNA position 1741, C replaced by T.
Protein change: p.Leu581=; no amino-acid change (leucine 581 retained).
Molecular consequence: synonymous variant.
Genome position (GRCh38, 1-based): chr1:160,299,191, G>A on the plus strand (C>T on the coding strand, the complement: COPA is on the minus strand). VCF-style: chr1-160299191-G-A. GRCh37 (hg19) VCF-style: chr1-160268981-G-A.
Other names: p.Leu581=; c.1741C>T, p.Leu581= (LRG_1336t1); c.1768C>T, p.Leu590= (NM_001098398.2).
Identifiers: ClinVar variation 476022 (VCV000476022.19), dbSNP rs79304843, ClinGen allele CA1198025.